The following is an entry in ClinVar:

NM_005732.4(RAD50):c.699G>T (p.Gln233His)

Gene: RAD50 (RAD50 double strand break repair protein; plus strand). Cytogenetic location: 5q31.1.
Variant type: single nucleotide variant.
Coding change: c.699G>T on transcript NM_005732.4 (MANE Select); coding-DNA position 699, G replaced by T.
Protein change: p.Gln233His; replaces glutamine 233 with histidine.
Molecular consequence: missense variant.
Genome position (GRCh38, 1-based): chr5:132,580,009, G>T. VCF-style: chr5-132580009-G-T. GRCh37 (hg19) VCF-style: chr5-131915701-G-T.
Other names: short protein forms Q233H.
Identifiers: ClinVar variation 579553 (VCV000579553.14), dbSNP rs755911947, ClinGen allele CA127237955.
Genomic context (GRCh38, chr5:132,580,009, plus strand): 5'-GAAGCAATATAAGGAAAAAGCTTGTGAGATTCGTGATCAGATTACAAGTAAGGAAGCCCA[G>T]TTAACATCTTCAAAGGAAATTGTCAAATCCTATGAGAATGAACTTGATCCATTGAAGGTA-3'
Protein context (NP_005723.2, residues 223-243): IRDQITSKEA[Gln233His]LTSSKEIVKS

ClinVar aggregate classification (germline): Uncertain significance. Review status: criteria provided, multiple submitters, no conflicts (2 of 4 stars). 3 submissions from 3 submitters: Uncertain significance (3). Last evaluated 2024-08-12.

Conditions:
Hereditary cancer-predisposing syndrome. Also called: Neoplastic Syndromes, Hereditary; Tumor predisposition; Hereditary neoplastic syndrome; Hereditary Cancer Syndrome. Identifiers: Orphanet 140162, MedGen C0027672, MeSH D009386, MONDO:0015356.

Allele frequency attached by ClinVar (database versions not stated): gnomAD 0.00001; TOPMed 0.00001.
gnomAD v4.1: 15 of 1,613,344 alleles (0.00093%); highest among the groups gnomAD compares: Non-Finnish European, 0.0013%; no homozygotes.

Submissions (3):

Ambry Genetics
Classification: Uncertain significance for Hereditary cancer-predisposing syndrome. Last evaluated: 2024-08-12. Review status: criteria provided, single submitter. Criteria: Ambry Variant Classification Scheme 2023. Collection method: clinical testing. Allele origin: germline.
Comment: The p.Q233H variant (also known as c.699G>T), located in coding exon 5 of the RAD50 gene, results from a G to T substitution at nucleotide position 699. The glutamine at codon 233 is replaced by histidine, an amino acid with highly similar properties. This amino acid position is conserved. In addition, this alteration is predicted to be tolerated by in silico analysis. Since supporting evidence is limited at this time, the clinical significance of this alteration remains unclear.

Labcorp Genetics (formerly Invitae), Labcorp
Classification: Uncertain significance for Hereditary cancer-predisposing syndrome. Last evaluated: 2023-07-19. Review status: criteria provided, single submitter. Criteria: Invitae Variant Classification Sherloc (09022015). Collection method: clinical testing. Allele origin: germline.
Comment: Advanced modeling of protein sequence and biophysical properties (such as structural, functional, and spatial information, amino acid conservation, physicochemical variation, residue mobility, and thermodynamic stability) performed at Invitae indicates that this missense variant is expected to disrupt RAD50 protein function. In summary, the available evidence is currently insufficient to determine the role of this variant in disease. Therefore, it has been classified as a Variant of Uncertain Significance. ClinVar contains an entry for this variant (Variation ID: 579553). This variant has not been reported in the literature in individuals affected with RAD50-related conditions. This variant is present in population databases (no rsID available, gnomAD 0.002%). This sequence change replaces glutamine, which is neutral and polar, with histidine, which is basic and polar, at codon 233 of the RAD50 protein (p.Gln233His).

Women's Health and Genetics/Laboratory Corporation of America, LabCorp
Classification: Uncertain significance. Last evaluated: 2022-05-27. Review status: criteria provided, single submitter. Criteria: LabCorp Variant Classification Summary - May 2015. Collection method: clinical testing. Allele origin: germline.